The following is an entry in ClinVar:

NM_001620.3(AHNAK):c.14388A>G (p.Glu4796=)

Gene: AHNAK (AHNAK nucleoprotein; minus strand). Cytogenetic location: 11q12.3.
Variant type: single nucleotide variant.
Coding change: c.14388A>G on transcript NM_001620.3 (MANE Select); coding-DNA position 14388, A replaced by G.
Protein change: p.Glu4796=; no amino-acid change (glutamic acid 4796 retained).
Molecular consequence: synonymous variant. On other transcripts: intron variant (1).
Genome position (GRCh38, 1-based): chr11:62,520,029, T>C on the plus strand (A>G on the coding strand, the complement: AHNAK is on the minus strand). VCF-style: chr11-62520029-T-C. GRCh37 (hg19) VCF-style: chr11-62287501-T-C.
Other names: c.14388A>G, p.Glu4796= (NM_001346445.2, NM_001346446.2); c.342+14974A>G (NM_024060.4).
Identifiers: ClinVar variation 2641858 (VCV002641858.24), dbSNP rs1262989587, ClinGen allele CA475117676.

ClinVar aggregate classification (germline): Likely benign (1 of 4 stars; one submission).

Allele frequency attached by ClinVar (database versions not stated): 1000 Genomes Project 30x 0.00219.

Submission:

CeGaT Center for Human Genetics Tuebingen
Classification: Likely benign. Last evaluated: 2022-03-01. Review status: criteria provided, single submitter. Criteria: CeGaT Center For Human Genetics Tuebingen Variant Classification Criteria Version 2. Collection method: clinical testing. Allele origin: germline. Affected: yes. Observed: 1 variant allele.
Comment: AHNAK: BP4, BP7